The following is an entry in ClinVar:

ClinVar aggregate classification (germline): Pathogenic (1 of 4 stars; one submission).

Submission:

Labcorp Genetics (formerly Invitae), Labcorp
Classification: Pathogenic. Last evaluated: 2021-11-01. Review status: criteria provided, single submitter. Criteria: Invitae Variant Classification Sherloc (09022015). Collection method: clinical testing. Allele origin: germline.
Comment: For these reasons, this variant has been classified as Pathogenic. This variant has not been reported in the literature in individuals affected with VPS13A-related conditions. This variant is not present in population databases (gnomAD no frequency). This sequence change creates a premature translational stop signal (p.Thr1692Lysfs*9) in the VPS13A gene. It is expected to result in an absent or disrupted protein product. Loss-of-function variants in VPS13A are known to be pathogenic (PMID: 12404112, 21598378).

Literature cited by the submitters: PubMed 12404112; PubMed 21598378.

NM_033305.3(VPS13A):c.5075_5076del (p.Thr1692fs)

Gene: VPS13A (vacuolar protein sorting 13 homolog A; plus strand). Cytogenetic location: 9q21.2.
Variant type: Deletion.
Coding change: c.5075_5076del on transcript NM_033305.3 (MANE Select); coding-DNA positions 5075 to 5076, 2 bases deleted (CA; older notation c.5075_5076delCA).
Protein change: p.Thr1692fs; shifts the reading frame from threonine 1692.
Molecular consequence: frameshift variant.
Genome position (GRCh38, 1-based): chr9:77,318,353-77,318,354, CA deleted; deleting any 2 consecutive bases within chr9:77,318,352-77,318,354 gives the same sequence; the c. name uses the placement nearest the transcript's 3' end. VCF-style (leftmost placement, unchanged base first): chr9-77318351-TAC-T. GRCh37 (hg19) VCF-style: chr9-79933267-TAC-T.
Other names: c.4958_4959del, p.Thr1653fs (NM_001018037.2); c.5075_5076del, p.Thr1692fs (NM_001018038.3, NM_015186.4); short protein forms T1653fs, T1692fs.
Identifiers: ClinVar variation 1457424 (VCV001457424.6), dbSNP rs2131439679, ClinGen allele CA2573144731.